The following is an entry in ClinVar:

ClinVar aggregate classification (germline): Likely benign (1 of 4 stars; one submission).

gnomAD v4.1: 11 of 1,613,924 alleles (0.00068%); highest among the groups gnomAD compares: Non-Finnish European, 0.00085%; no homozygotes.

Submission:

GeneDx
Classification: Likely benign. Last evaluated: 2018-03-22. Review status: criteria provided, single submitter. Criteria: GeneDx Variant Classification (06012015). Collection method: clinical testing. Allele origin: germline. Affected: yes.
Comment: This variant is considered likely benign or benign based on one or more of the following criteria: it is a conservative change, it occurs at a poorly conserved position in the protein, it is predicted to be benign by multiple in silico algorithms, and/or has population frequency not consistent with disease.

NM_025150.5(TARS2):c.420G>T (p.Gly140=)

Gene: TARS2 (threonyl-tRNA synthetase 2, mitochondrial; plus strand). Cytogenetic location: 1q21.2.
Variant type: single nucleotide variant.
Coding change: c.420G>T on transcript NM_025150.5 (MANE Select); coding-DNA position 420, G replaced by T.
Protein change: p.Gly140=; no amino-acid change (glycine 140 retained).
Molecular consequence: synonymous variant.
Genome position (GRCh38, 1-based): chr1:150,490,633, G>T. VCF-style: chr1-150490633-G-T. GRCh37 (hg19) VCF-style: chr1-150463109-G-T.
Other names: c.420G>T, p.Gly140= (NM_001271895.2, NM_001271896.2).
Identifiers: ClinVar variation 680360 (VCV000680360.1), dbSNP rs1441723059, ClinGen allele CA420687052.